The following is an entry in ClinVar:

NM_173630.4(RTTN):c.1190-1G>T

Gene: RTTN (rotatin; minus strand). Cytogenetic location: 18q22.2.
Variant type: single nucleotide variant.
Coding change: c.1190-1G>T on transcript NM_173630.4 (MANE Select); the canonical splice acceptor site of the intron before coding-DNA position 1190, G replaced by T.
Molecular consequence: splice acceptor variant.
Genome position (GRCh38, 1-based): chr18:70,188,224, C>A on the plus strand (G>T on the coding strand, the complement: RTTN is on the minus strand). VCF-style: chr18-70188224-C-A. GRCh37 (hg19) VCF-style: chr18-67855460-C-A.
Other names: c.-1364-1G>T (NM_001318520.2).
Identifiers: ClinVar variation 5043313 (VCV005043313.1).

ClinVar aggregate classification (germline): Pathogenic (1 of 4 stars; one submission).

Conditions:
Fetal anomalies with a likely genetic cause.

Submission:

Genetics Laboratory, Great Ormond Street Hospital NHS Foundation Trust, North Thames Genomic Laboratory Hub
Classification: Pathogenic for Fetal anomalies with a likely genetic cause. Last evaluated: 2026-09-17. Review status: criteria provided, single submitter. Criteria: ACGS Best Practice Guidelines for Variant Classification in Rare Disease 2024 v1.2. Collection method: clinical testing. Allele origin: germline. Affected: yes.
Comment: PM2_moderate, PVS1_very-strong